The following is an entry in ClinVar:

NM_022173.4(TIA1):c.820A>T (p.Ile274Phe)

Gene: TIA1 (TIA1 cytotoxic granule associated RNA binding protein; minus strand). Cytogenetic location: 2p13.3.
Variant type: single nucleotide variant.
Coding change: c.820A>T on transcript NM_022173.4 (MANE Select); coding-DNA position 820, A replaced by T.
Protein change: p.Ile274Phe; replaces isoleucine 274 with phenylalanine.
Molecular consequence: missense variant. On other transcripts: non-coding transcript variant (17).
Genome position (GRCh38, 1-based): chr2:70,215,439, T>A on the plus strand (A>T on the coding strand, the complement: TIA1 is on the minus strand). VCF-style: chr2-70215439-T-A. GRCh37 (hg19) VCF-style: chr2-70442571-T-A.
Other names: c.820A>T, p.Ile274Phe (NM_001351508.2); c.793A>T, p.Ile265Phe (NM_001351509.2); c.787A>T, p.Ile263Phe (NM_001351510.2, NM_022037.4); c.709A>T, p.Ile237Phe (NM_001351511.1); c.682A>T, p.Ile228Phe (NM_001351512.1); c.676A>T, p.Ile226Phe (NM_001351513.1); c.592A>T, p.Ile198Phe (NM_001351514.2); c.517A>T, p.Ile173Phe (NM_001351515.2); and 1 more; short protein forms I265F, I134F, I173F, I263F, I198F, I226F, I274F, I228F.
Identifiers: ClinVar variation 1395636 (VCV001395636.6), dbSNP rs539059746, ClinGen allele CA347151355.
Genomic context (GRCh38, chr2:70,215,439, plus strand): 5'-CGGGATTTATCATATCAAGAGTTTCTTTGCCCCAATAGCATTTCACAACATGACCTTCAA[T>A]GGTAGTACCATTAACAGAAACAATTGCATGTGCTGCACTTTCATGGGAATTGAACCTATT-3'
Protein context (NP_071505.2, residues 264-284): HAIVSVNGTT[Ile274Phe]EGHVVKCYWG

ClinVar aggregate classification (germline): Uncertain significance (1 of 4 stars; one submission).

Conditions:
Welander distal myopathy (WDM). Also called: Gower's muscular dystrophy; Welander distal myopathy, Swedish type; Distal myopathy, Swedish type; MUSCULAR DYSTROPHY, DISTAL, LATE-ONSET, AUTOSOMAL DOMINANT. Identifiers: Orphanet 603, MedGen C0221054, MONDO:0011466, OMIM 604454.

Submission:

Labcorp Genetics (formerly Invitae), Labcorp
Classification: Uncertain significance for Welander distal myopathy. Last evaluated: 2021-11-28. Review status: criteria provided, single submitter. Criteria: Invitae Variant Classification Sherloc (09022015). Collection method: clinical testing. Allele origin: germline.
Comment: This sequence change replaces isoleucine, which is neutral and non-polar, with phenylalanine, which is neutral and non-polar, at codon 274 of the TIA1 protein (p.Ile274Phe). In summary, the available evidence is currently insufficient to determine the role of this variant in disease. Therefore, it has been classified as a Variant of Uncertain Significance. Algorithms developed to predict the effect of missense changes on protein structure and function are either unavailable or do not agree on the potential impact of this missense change (SIFT: "Tolerated"; PolyPhen-2: "Possibly Damaging"; Align-GVGD: "Class C0"). This variant has not been reported in the literature in individuals affected with TIA1-related conditions. This variant is not present in population databases (gnomAD no frequency).